The following is an entry in ClinVar:

NM_001080467.3(MYO5B):c.1752+3A>G

Gene: MYO5B (myosin VB; minus strand). Cytogenetic location: 18q21.1.
Variant type: single nucleotide variant.
Coding change: c.1752+3A>G on transcript NM_001080467.3 (MANE Select); 3 bases into the intron after coding-DNA position 1752, A replaced by G.
Molecular consequence: intron variant.
Genome position (GRCh38, 1-based): chr18:49,953,257, T>C on the plus strand (A>G on the coding strand, the complement: MYO5B is on the minus strand). VCF-style: chr18-49953257-T-C. GRCh37 (hg19) VCF-style: chr18-47479627-T-C.
Identifiers: ClinVar variation 2113016 (VCV002113016.4), dbSNP rs2511317393, ClinGen allele CA2580095794.

ClinVar aggregate classification (germline): Uncertain significance (1 of 4 stars; one submission).

Submission:

Labcorp Genetics (formerly Invitae), Labcorp
Classification: Uncertain significance. Last evaluated: 2022-03-16. Review status: criteria provided, single submitter. Criteria: Invitae Variant Classification Sherloc (09022015). Collection method: clinical testing. Allele origin: germline.
Comment: This sequence change falls in intron 14 of the MYO5B gene. It does not directly change the encoded amino acid sequence of the MYO5B protein. It affects a nucleotide within the consensus splice site. This variant is not present in population databases (gnomAD no frequency). This variant has not been reported in the literature in individuals affected with MYO5B-related conditions. In summary, the available evidence is currently insufficient to determine the role of this variant in disease. Therefore, it has been classified as a Variant of Uncertain Significance. Variants that disrupt the consensus splice site are a relatively common cause of aberrant splicing (PMID: 17576681, 9536098). Algorithms developed to predict the effect of sequence changes on RNA splicing suggest that this variant is not likely to affect RNA splicing.

Literature cited by the submitters: PubMed 17576681; PubMed 9536098.